The following is an entry in ClinVar:

ClinVar aggregate classification (germline): Uncertain significance (1 of 4 stars; one submission).

Submission:

Labcorp Genetics (formerly Invitae), Labcorp
Classification: Uncertain significance. Last evaluated: 2023-06-15. Review status: criteria provided, single submitter. Criteria: Invitae Variant Classification Sherloc (09022015). Collection method: clinical testing. Allele origin: germline.
Comment: This sequence change replaces threonine, which is neutral and polar, with arginine, which is basic and polar, at codon 381 of the FLNB protein (p.Thr381Arg). This variant is not present in population databases (gnomAD no frequency). This variant has not been reported in the literature in individuals affected with FLNB-related conditions. Advanced modeling of protein sequence and biophysical properties (such as structural, functional, and spatial information, amino acid conservation, physicochemical variation, residue mobility, and thermodynamic stability) performed at Invitae indicates that this missense variant is not expected to disrupt FLNB protein function. In summary, the available evidence is currently insufficient to determine the role of this variant in disease. Therefore, it has been classified as a Variant of Uncertain Significance.

NM_001457.4(FLNB):c.1142C>G (p.Thr381Arg)

Gene: FLNB (filamin B; plus strand). Cytogenetic location: 3p14.3.
Variant type: single nucleotide variant.
Coding change: c.1142C>G on transcript NM_001457.4 (MANE Select); coding-DNA position 1142, C replaced by G.
Protein change: p.Thr381Arg; replaces threonine 381 with arginine.
Molecular consequence: missense variant.
Genome position (GRCh38, 1-based): chr3:58,097,972, C>G. VCF-style: chr3-58097972-C-G. GRCh37 (hg19) VCF-style: chr3-58083699-C-G.
Other names: c.1142C>G, p.Thr381Arg (NM_001164317.2, NM_001164318.2, NM_001164319.2); short protein forms T381R.
Identifiers: ClinVar variation 2716320 (VCV002716320.3), dbSNP rs575372278, ClinGen allele CA353335906.
Genomic context (GRCh38, chr3:58,097,972, plus strand): 5'-GTCCAGGGTTGGAAGCTGTAGGGAACATCGCCAATAAGCCCACCTACTTTGACATCTATA[C>G]GGCAGGTAACGTGCCTCTCCTCCATGGATCTGACCTTTGCGCTTTCTTCCAGAGGCTGAA-3'
Protein context (NP_001448.2, residues 371-391): ANKPTYFDIY[Thr381Arg]AGAGVGDIGV